The following is an entry in ClinVar:

ClinVar aggregate classification (germline): Uncertain significance. Review status: criteria provided, multiple submitters, no conflicts (2 of 4 stars). 2 submissions from 2 submitters: Uncertain significance (2). Last evaluated 2025-07-22.

gnomAD v4.1: 41 of 1,613,904 alleles (0.0025%); highest among the groups gnomAD compares: Middle Eastern, 0.13%; no homozygotes.

Submissions (2):

Labcorp Genetics (formerly Invitae), Labcorp
Classification: Uncertain significance. Last evaluated: 2025-07-22. Review status: criteria provided, single submitter. Criteria: Invitae Variant Classification Sherloc (09022015). Collection method: clinical testing. Allele origin: germline.
Comment: This sequence change replaces alanine, which is neutral and non-polar, with glycine, which is neutral and non-polar, at codon 438 of the ATRN protein (p.Ala438Gly). This variant is present in population databases (rs372236785, gnomAD 0.02%). This variant has not been reported in the literature in individuals affected with ATRN-related conditions. ClinVar contains an entry for this variant (Variation ID: 1479075). An algorithm developed to predict the effect of missense changes on protein structure and function (PolyPhen-2) suggests that this variant is likely to be tolerated. In summary, the available evidence is currently insufficient to determine the role of this variant in disease. Therefore, it has been classified as a Variant of Uncertain Significance.

Ambry Genetics
Classification: Uncertain significance. Last evaluated: 2025-03-26. Review status: criteria provided, single submitter. Criteria: Ambry Variant Classification Scheme 2023. Collection method: clinical testing. Allele origin: germline.

NM_139321.3(ATRN):c.1313C>G (p.Ala438Gly)

Gene: ATRN (attractin; plus strand). Cytogenetic location: 20p13.
Variant type: single nucleotide variant.
Coding change: c.1313C>G on transcript NM_139321.3 (MANE Select); coding-DNA position 1313, C replaced by G.
Protein change: p.Ala438Gly; replaces alanine 438 with glycine.
Molecular consequence: missense variant.
Genome position (GRCh38, 1-based): chr20:3,560,771, C>G. VCF-style: chr20-3560771-C-G. GRCh37 (hg19) VCF-style: chr20-3541418-C-G.
Other names: c.1313C>G (NM_139321.2); c.965C>G, p.Ala322Gly (NM_001207047.3); c.1313C>G, p.Ala438Gly (NM_001323332.2, NM_139322.4); short protein forms A322G, A438G.
Identifiers: ClinVar variation 1479075 (VCV001479075.9), dbSNP rs372236785, ClinGen allele CA9744022.